The following is an entry in ClinVar:

NM_014946.4(SPAST):c.526C>A (p.Arg176Ser)

Gene: SPAST (spastin; plus strand). Cytogenetic location: 2p22.3.
Variant type: single nucleotide variant.
Coding change: c.526C>A on transcript NM_014946.4 (MANE Select); coding-DNA position 526, C replaced by A.
Protein change: p.Arg176Ser; replaces arginine 176 with serine.
Molecular consequence: missense variant.
Genome position (GRCh38, 1-based): chr2:32,089,545, C>A. VCF-style: chr2-32089545-C-A. GRCh37 (hg19) VCF-style: chr2-32314614-C-A.
Other names: c.523C>A, p.Arg175Ser (NM_001363823.2, NM_001363875.2); c.526C>A, p.Arg176Ser (NM_001377959.1, NM_199436.2); short protein forms R175S, R176S.
Identifiers: ClinVar variation 940675 (VCV000940675.9), dbSNP rs775364035, ClinGen allele CA346603473.

ClinVar aggregate classification (germline): Uncertain significance (1 of 4 stars; one submission).

Conditions:
Hereditary spastic paraplegia 4. Also called: Spastic Paraplegia 4; Spastic paraplegia 4, autosomal dominant; Familial spastic paraplegia autosomal dominant 2. Identifiers: Orphanet 100985, MedGen C1866855, MONDO:0008438, OMIM 182601.

Submission:

Labcorp Genetics (formerly Invitae), Labcorp
Classification: Uncertain significance for Hereditary spastic paraplegia 4. Last evaluated: 2020-05-29. Review status: criteria provided, single submitter. Criteria: Invitae Variant Classification Sherloc (09022015). Collection method: clinical testing. Allele origin: germline.
Comment: This sequence change replaces arginine with serine at codon 176 of the SPAST protein (p.Arg176Ser). The arginine residue is highly conserved and there is a moderate physicochemical difference between arginine and serine. This variant is not present in population databases (ExAC no frequency). This variant has been observed in individual(s) with clinical features of hereditary spastic paraplegia (Invitae). Algorithms developed to predict the effect of missense changes on protein structure and function (SIFT, PolyPhen-2, Align-GVGD) all suggest that this variant is likely to be tolerated, but these predictions have not been confirmed by published functional studies and their clinical significance is uncertain. In summary, the available evidence is currently insufficient to determine the role of this variant in disease. Therefore, it has been classified as a Variant of Uncertain Significance.